The following is an entry in ClinVar:

NM_020061.6(OPN1LW):c.607T>C (p.Cys203Arg)

Gene: OPN1LW (opsin 1, long wave sensitive; plus strand). Cytogenetic location: Xq28.
Variant type: single nucleotide variant.
Coding change: c.607T>C on transcript NM_020061.6 (MANE Select); coding-DNA position 607, T replaced by C.
Protein change: p.Cys203Arg; replaces cysteine 203 with arginine.
Molecular consequence: missense variant.
Genome position (GRCh38, 1-based): chrX:154,154,602, T>C. VCF-style: chrX-154154602-T-C. GRCh37 (hg19) VCF-style: chrX-153420077-T-C.
Other names: short protein forms C203R.
Identifiers: ClinVar variation 10505 (VCV000010505.5), dbSNP rs121434621, ClinGen allele CA121104.

ClinVar aggregate classification (germline): Pathogenic. Review status: criteria provided, multiple submitters, no conflicts (2 of 4 stars). 4 submissions from 4 submitters: Pathogenic (3). 1 of the submissions does not count toward it. Last evaluated 2024-05-31.

Conditions:
Cone monochromatism (BCM). Also called: Blue cone monochromacy; Incomplete achromatopsia; Color blindness blue mono cone monochromatic type; X-chromosome-linked achromatopsia. Identifiers: Orphanet 16, MedGen C0339537, MONDO:0010563, OMIM 303700, HP:0007939. Disease mechanism: loss of function.
Protan defect (CBP). Also called: COLORBLINDNESS, PROTAN; Red colorblindness; Red color blindness; COLORBLINDNESS, PARTIAL, PROTAN SERIES. Identifiers: MedGen C0155015, MONDO:0010565, OMIM 303900.

Allele frequency attached by ClinVar (database versions not stated): gnomAD exomes below 0.00001.
gnomAD v4.1: 1 of 1,180,190 alleles (0.000085%); highest among the groups gnomAD compares: Non-Finnish European, 0.00011%; no homozygotes.

Submissions (4):

Revvity Omics, Revvity
Classification: Pathogenic. Last evaluated: 2024-05-31. Review status: criteria provided, single submitter. Criteria: ACMG Guidelines, 2015. Collection method: clinical testing. Allele origin: germline.

Genetics and Molecular Pathology, SA Pathology
Classification: Pathogenic for Protan defect. Last evaluated: 2021-10-21. Review status: criteria provided, single submitter. Criteria: ACMG Guidelines, 2015. Collection method: clinical testing. Allele origin: germline. Affected: yes.

GeneDx
Classification: Pathogenic. Last evaluated: 2019-07-19. Review status: criteria provided, single submitter. Criteria: GeneDx Variant Classification Process June 2021. Collection method: clinical testing. Allele origin: germline. Affected: yes.
Comment: One of the most common pathogenic variants associated with blue cone monochromacy (Buena-Atienza et al., 2016); Functional studies demonstrate loss of cone opsin function with misfolded opsins that are retained in the endoplasmic reticulum and degraded (Kazmi et al., 1997); In silico analysis, which includes protein predictors and evolutionary conservation, supports a deleterious effect; Not observed in large population cohorts (Lek et al., 2016); This variant is associated with the following publications: (PMID: 27274860, 22998501, 23139274, 23322568, 25168334, 2788922, 8666378, 27447086, 15094734, 9152227, 30516820, 27339364)

OMIM
Classification: Pathogenic for BLUE CONE MONOCHROMACY. Last evaluated: 2005-01-01. Review status: no assertion criteria provided. Collection method: literature only. Allele origin: germline. Not counted in ClinVar's aggregate classification.

Literature cited by the submitters: Nathans, J., Maumenee, I. H., Zrenner, E., Sadowski, B., Sharpe, L. T., Lewis, R. A., Hansen, E., Rosenberg, T., Schwartz, M., Heckenlively, J. R., Traboulsi, E., Klingaman, R., Bech-Hansen, N. T., LaRoche, G. R., Pagon, R. A., Murphey, W. H., Weleber, R. G. Genetic heterogeneity among blue-cone monochromats. Am. J. Hum. Genet. 53: 987-1000, 1993. (cited by OMIM); PubMed 8666378 (cited by OMIM); PubMed 15094734 (cited by OMIM).